The following is an entry in ClinVar:

NM_033305.3(VPS13A):c.2964+5G>A

Gene: VPS13A (vacuolar protein sorting 13 homolog A; plus strand). Cytogenetic location: 9q21.2.
Variant type: single nucleotide variant.
Coding change: c.2964+5G>A on transcript NM_033305.3 (MANE Select); 5 bases into the intron after coding-DNA position 2964, G replaced by A.
Molecular consequence: intron variant.
Genome position (GRCh38, 1-based): chr9:77,281,931, G>A. VCF-style: chr9-77281931-G-A. GRCh37 (hg19) VCF-style: chr9-79896847-G-A.
Other names: c.2964+5G>A (NM_001018037.2, NM_015186.4, NM_001018038.3).
Identifiers: ClinVar variation 700491 (VCV000700491.18), dbSNP rs139516538, ClinGen allele CA5092103.
Genomic context (GRCh38, chr9:77,281,931, plus strand): 5'-AAAAGAATGTACCCGACTTGAAAAGTACCTATAACAATGTTTTACAATTGATTAAGGTAT[G>A]AGTAGATAATTTATTTTTTAATTATGTACTATTTCTTATGGAAATTATTTTCTAACTGGA-3'

ClinVar aggregate classification (germline): Conflicting classifications of pathogenicity. Review status: criteria provided, conflicting classifications (1 of 4 stars). 4 submissions from 4 submitters: Uncertain significance (1); Benign (1); Likely benign (1). 1 of the submissions does not count toward it. Last evaluated 2026-01-26.

Conditions:
VPS13A-related neurodegenerative disease. Also called: Choreoacanthocytosis; Chorea-acanthocytosis; VPS13A Disease; Choreaacanthocytosis; LEVINE-CRITCHLEY SYNDROME; ACANTHOCYTOSIS WITH NEUROLOGIC DISORDER. Identifiers: Orphanet 2388, MedGen C0393576, MONDO:0008695, OMIM 200150.

Allele frequency attached by ClinVar (database versions not stated): gnomAD 0.00005 and 0.00011; TOPMed 0.00014; gnomAD exomes 0.00025; ExAC 0.00026; 1000 Genomes Project 30x 0.00094; 1000 Genomes Project 0.00120.
gnomAD v4.1: 186 of 1,535,624 alleles (0.012%); highest among the groups gnomAD compares: East Asian, 0.37%; 1 homozygote.

Submissions (4):

Labcorp Genetics (formerly Invitae), Labcorp
Classification: Likely benign. Last evaluated: 2026-01-26. Review status: criteria provided, single submitter. Criteria: Invitae Variant Classification Sherloc (09022015). Collection method: clinical testing. Allele origin: germline.

GeneDx
Classification: Uncertain significance. Last evaluated: 2024-05-18. Review status: criteria provided, single submitter. Criteria: GeneDx Variant Classification Process June 2021. Collection method: clinical testing. Allele origin: germline. Affected: yes.
Comment: In silico analysis indicates that this variant does not alter splicing; This variant is associated with the following publications: (PMID: 21145924, 31545336)

Illumina Laboratory Services, Illumina
Classification: Benign for VPS13A-related neurodegenerative disease. Last evaluated: 2017-04-27. Review status: criteria provided, single submitter. Criteria: ICSL Variant Classification Criteria 13 December 2019. Collection method: clinical testing. Allele origin: germline.
Comment: This variant was observed as part of a predisposition screen in an ostensibly healthy population. A literature search was performed for the gene, cDNA change, and amino acid change (where applicable). No publications were found based on this search. Allele frequency data from public databases was too high to be consistent with this variant causing disease. Therefore, this variant is classified as benign.

Natera, Inc.
Classification: Likely benign for Choreaacanthocytosis. Last evaluated: 2020-01-15. Review status: no assertion criteria provided. Collection method: clinical testing. Allele origin: germline. Not counted in ClinVar's aggregate classification.